The following is an entry in ClinVar:

ClinVar aggregate classification (germline): Uncertain significance (1 of 4 stars; one submission).

Conditions:
CYP17A1-related disorder. Also called: CYP17A1-related condition.

Submission:

PreventionGenetics, part of Exact Sciences
Classification: Uncertain significance for CYP17A1-related condition. Last evaluated: 2026-04-29. Review status: criteria provided, single submitter. Criteria: ACMG Guidelines, 2015. Collection method: clinical testing. Allele origin: germline.
Comment: The CYP17A1 c.523G>A variant is predicted to result in the amino acid substitution p.Val175Ile. To our knowledge, this variant has not been reported in the literature or in a large population database (gnomAD), indicating this variant is rare. At this time, the clinical significance of this variant is uncertain due to the absence of conclusive functional and genetic evidence.

NM_000102.4(CYP17A1):c.523G>A (p.Val175Ile)

Gene: CYP17A1 (cytochrome P450 family 17 subfamily A member 1; minus strand). Cytogenetic location: 10q24.32.
Variant type: single nucleotide variant.
Coding change: c.523G>A on transcript NM_000102.4 (MANE Select); coding-DNA position 523, G replaced by A.
Protein change: p.Val175Ile; replaces valine 175 with isoleucine.
Molecular consequence: missense variant.
Genome position (GRCh38, 1-based): chr10:102,834,928, C>T on the plus strand (G>A on the coding strand, the complement: CYP17A1 is on the minus strand). VCF-style: chr10-102834928-C-T. GRCh37 (hg19) VCF-style: chr10-104594685-C-T.
Other names: short protein forms V175I.
Identifiers: ClinVar variation 4991781 (VCV004991781.1).